The following is an entry in ClinVar:

NM_000136.3(FANCC):c.560del (p.Cys187fs)

Genes: AOPEP (aminopeptidase O (putative); plus strand), FANCC (FA complementation group C; minus strand). Cytogenetic location: 9q22.32.
Variant type: Deletion.
Coding change: c.560del on transcript NM_000136.3 (MANE Select); coding-DNA position 560, one base deleted (G; older notation c.560delG).
Protein change: p.Cys187fs; shifts the reading frame from cysteine 187.
Molecular consequence: frameshift variant.
Genome position (GRCh38, 1-based): chr9:95,150,049, C deleted on the plus strand (G on the coding strand, the reverse complement: FANCC is on the minus strand). VCF-style (leftmost placement, unchanged base first): chr9-95150048-AC-A. GRCh37 (hg19) VCF-style: chr9-97912330-AC-A.
Other names: c.560del, p.Cys187fs (NM_001243743.2, NM_001243744.2); short protein forms C187fs.
Identifiers: ClinVar variation 1726201 (VCV001726201.2), dbSNP rs2541701286, ClinGen allele CA2580080692.

ClinVar aggregate classification (germline): Likely pathogenic (1 of 4 stars; one submission).

Conditions:
Fanconi anemia complementation group C (FANCC). Also called: FANCONI PANCYTOPENIA, TYPE 3; FACC; Fanconi anemia, group C; FANCC-Related Fanconi Anemia. Identifiers: Orphanet 84, MedGen C3468041, MONDO:0009213, OMIM 227645.

Submission:

Myriad Genetics, Inc.
Classification: Likely pathogenic for Fanconi anemia complementation group C. Last evaluated: 2022-05-22. Review status: criteria provided, single submitter. Criteria: Myriad Women's Health Autosomal Recessive and X-Linked Classification Criteria (2021). Collection method: clinical testing. Allele origin: unknown.
Comment: NM_000136.2(FANCC):c.560delG(C187Lfs*7) is expected to be pathogenic in the context of Fanconi anemia, FANCC-related. This variant is predicted to lead to an abnormal or absent protein product due to the creation of a premature termination codon in FANCC, a gene where loss-of-function variants are known to be pathogenic. Please note: this variant was assessed in the context of healthy population screening.